The following is an entry in ClinVar:

NM_000091.5(COL4A3):c.894dup (p.Pro299fs)

Genes: COL4A3 (collagen type IV alpha 3 chain; plus strand), MFF-DT (MFF divergent transcript; minus strand). Cytogenetic location: 2q36.3.
Variant type: Duplication.
Coding change: c.894dup on transcript NM_000091.5 (MANE Select); coding-DNA position 894, one base duplicated (A; older notation c.894dupA).
Protein change: p.Pro299fs; shifts the reading frame from proline 299.
Molecular consequence: frameshift variant.
Genome position (GRCh38, 1-based): chr2:227,256,031, A duplicated; the last of 4 consecutive A bases (chr2:227,256,028-227,256,031); duplicating any one gives the same sequence. VCF-style (leftmost placement, unchanged base first): chr2-227256027-G-GA. GRCh37 (hg19) VCF-style: chr2-228120743-G-GA.
Other names: short protein forms P299fs.
Identifiers: ClinVar variation 1454244 (VCV001454244.6), dbSNP rs2070145822, ClinGen allele CA2573135462.
Genomic context (GRCh38, chr2:227,256,027, plus strand): 5'-TATTTGTAAAGTTAGCCATATTTATTACATTTCATGTTTTTGATTTGTTTTTGCTGTAGG[G>GA]AAAACCCGGAAAAGATGGTGTTCCTGGCTTCCCTGGAAGTGAGGTATAGAGTTGATTTGG-3'

ClinVar aggregate classification (germline): Pathogenic (1 of 4 stars; one submission).

Submission:

Labcorp Genetics (formerly Invitae), Labcorp
Classification: Pathogenic. Last evaluated: 2021-10-12. Review status: criteria provided, single submitter. Criteria: Invitae Variant Classification Sherloc (09022015). Collection method: clinical testing. Allele origin: germline.
Comment: This variant is not present in population databases (ExAC no frequency). For these reasons, this variant has been classified as Pathogenic. This variant has not been reported in the literature in individuals affected with COL4A3-related conditions. This sequence change creates a premature translational stop signal (p.Pro299Thrfs*13) in the COL4A3 gene. It is expected to result in an absent or disrupted protein product. Loss-of-function variants in COL4A3 are known to be pathogenic (PMID: 8956999, 24854265, 26809805, 27281700).

Literature cited by the submitters: PubMed 8956999; PubMed 24854265; PubMed 26809805; PubMed 27281700.